The following is an entry in ClinVar:

NM_014264.5(PLK4):c.2300T>G (p.Met767Arg)

Gene: PLK4 (polo like kinase 4; plus strand). Cytogenetic location: 4q28.1.
Variant type: single nucleotide variant.
Coding change: c.2300T>G on transcript NM_014264.5 (MANE Select); coding-DNA position 2300, T replaced by G.
Protein change: p.Met767Arg; replaces methionine 767 with arginine.
Molecular consequence: missense variant.
Genome position (GRCh38, 1-based): chr4:127,893,396, T>G. VCF-style: chr4-127893396-T-G. GRCh37 (hg19) VCF-style: chr4-128814551-T-G.
Other names: c.2204T>G, p.Met735Arg (NM_001190799.2); c.2177T>G, p.Met726Arg (NM_001190801.2); short protein forms M735R, M726R, M767R.
Identifiers: ClinVar variation 1503427 (VCV001503427.8), dbSNP rs375954941, ClinGen allele CA3077010.

ClinVar aggregate classification (germline): Uncertain significance (1 of 4 stars; one submission).

Allele frequency attached by ClinVar (database versions not stated): gnomAD exomes below 0.00001; ExAC 0.00001; gnomAD 0.00001; ESP Exome Variant Server 0.00008.
gnomAD v4.1: 1 of 1,608,722 alleles (0.000062%); highest among the groups gnomAD compares: African/African-American, 0.0013%; no homozygotes.

Submission:

Labcorp Genetics (formerly Invitae), Labcorp
Classification: Uncertain significance. Last evaluated: 2022-09-27. Review status: criteria provided, single submitter. Criteria: Invitae Variant Classification Sherloc (09022015). Collection method: clinical testing. Allele origin: germline.
Comment: In summary, the available evidence is currently insufficient to determine the role of this variant in disease. Therefore, it has been classified as a Variant of Uncertain Significance. Algorithms developed to predict the effect of sequence changes on RNA splicing suggest that this variant may disrupt the consensus splice site. Algorithms developed to predict the effect of missense changes on protein structure and function (SIFT, PolyPhen-2, Align-GVGD) all suggest that this variant is likely to be tolerated. ClinVar contains an entry for this variant (Variation ID: 1503427). This sequence change replaces methionine, which is neutral and non-polar, with arginine, which is basic and polar, at codon 767 of the PLK4 protein (p.Met767Arg). This variant is present in population databases (rs375954941, gnomAD 0.008%). This variant has not been reported in the literature in individuals affected with PLK4-related conditions.